The following is an entry in ClinVar:

ClinVar aggregate classification (germline): Uncertain significance. Review status: criteria provided, multiple submitters, no conflicts (2 of 4 stars). 3 submissions from 3 submitters: Uncertain significance (3). Last evaluated 2025-10-23.

Conditions:
Inborn genetic diseases. Identifiers: MedGen C0950123, MeSH D030342.
Epidermolysis bullosa simplex 5B, with muscular dystrophy (EBS5B). Also called: EPIDERMOLYSIS BULLOSA SIMPLEX AND LIMB-GIRDLE MUSCULAR DYSTROPHY; Epidermolysis bullosa simplex with muscular dystrophy. Identifiers: Orphanet 257, MedGen C2931072, MONDO:0009181, OMIM 226670.
Epidermolysis bullosa simplex, Ogna type (EBS5A). Also called: Pidermolysis bullosa simplex 5A, Ogna type; EPIDERMOLYSIS BULLOSA SIMPLEX 5A, OGNA TYPE. Identifiers: Orphanet 79401, MedGen C0432317, MONDO:0007555, OMIM 131950.
Epidermolysis bullosa simplex 5C, with pyloric atresia (EBS5C). Also called: PLEC-Related Epidermolysis Bullosa with Pyloric Atresia; Epidermolysis bullosa simplex with pyloric atresia; PLEC1-Related Epidermolysis Bullosa with Pyloric Atresia. Identifiers: Orphanet 158684, MedGen C2677349, MONDO:0012807, OMIM 612138.
Autosomal recessive limb-girdle muscular dystrophy type 2Q (LGMDR17). Also called: MUSCULAR DYSTROPHY, LIMB-GIRDLE, AUTOSOMAL RECESSIVE 17. Identifiers: Orphanet 254361, MedGen C3150989, MONDO:0013390, OMIM 613723.
Epidermolysis bullosa simplex with nail dystrophy (EBS5D). Identifiers: MedGen C4225309, MONDO:0014661, OMIM 616487.

Allele frequency attached by ClinVar (database versions not stated): gnomAD 0.00001; TOPMed 0.00003.
gnomAD v4.1: 21 of 1,611,624 alleles (0.0013%); highest among the groups gnomAD compares: East Asian, 0.0045%; no homozygotes.

Submissions (3):

Labcorp Genetics (formerly Invitae), Labcorp
Classification: Uncertain significance for Autosomal recessive limb-girdle muscular dystrophy type 2Q; Epidermolysis bullosa simplex, Ogna type; Epidermolysis bullosa simplex with nail dystrophy; Epidermolysis bullosa simplex 5C, with pyloric atresia; Epidermolysis bullosa simplex 5B, with muscular dystrophy. Last evaluated: 2025-10-23. Review status: criteria provided, single submitter. Criteria: Invitae Variant Classification Sherloc (09022015). Collection method: clinical testing. Allele origin: germline.
Comment: This sequence change replaces arginine, which is basic and polar, with tryptophan, which is neutral and slightly polar, at codon 4489 of the PLEC protein (p.Arg4489Trp). This variant is present in population databases (rs781845444, gnomAD 0.006%). This variant has not been reported in the literature in individuals affected with PLEC-related conditions. ClinVar contains an entry for this variant (Variation ID: 2150930). Invitae Evidence Modeling of protein sequence and biophysical properties (such as structural, functional, and spatial information, amino acid conservation, physicochemical variation, residue mobility, and thermodynamic stability) indicates that this missense variant is not expected to disrupt PLEC protein function with a negative predictive value of 80%. In summary, the available evidence is currently insufficient to determine the role of this variant in disease. Therefore, it has been classified as a Variant of Uncertain Significance.

Ambry Genetics
Classification: Uncertain significance for Inborn genetic diseases. Last evaluated: 2024-10-26. Review status: criteria provided, single submitter. Criteria: Ambry Variant Classification Scheme 2023. Collection method: clinical testing. Allele origin: germline.

GeneDx
Classification: Uncertain significance. Last evaluated: 2024-09-24. Review status: criteria provided, single submitter. Criteria: GeneDx Variant Classification Process June 2021. Collection method: clinical testing. Allele origin: germline. Affected: yes.
Comment: Not observed at significant frequency in large population cohorts (gnomAD); In silico analysis supports that this missense variant has a deleterious effect on protein structure/function; Missense variant in a gene in which most reported pathogenic variants are truncating/loss of function; Has not been previously published as pathogenic or benign to our knowledge

NM_201384.3(PLEC):c.13384C>T (p.Arg4462Trp)

Gene: PLEC (plectin; minus strand). Cytogenetic location: 8q24.3.
Variant type: single nucleotide variant.
Coding change: c.13384C>T on transcript NM_201384.3 (MANE Select); coding-DNA position 13384, C replaced by T.
Protein change: p.Arg4462Trp; replaces arginine 4462 with tryptophan.
Molecular consequence: missense variant.
Genome position (GRCh38, 1-based): chr8:143,916,437, G>A on the plus strand (C>T on the coding strand, the complement: PLEC is on the minus strand). VCF-style: chr8-143916437-G-A. GRCh37 (hg19) VCF-style: chr8-144990605-G-A.
Other names: c.13465C>T (NM_000445.3); c.13465C>T, p.Arg4489Trp (NM_000445.5); c.10084C>T, p.Arg3362Trp (NM_001410941.1); c.13342C>T, p.Arg4448Trp (NM_201378.4); c.13318C>T, p.Arg4440Trp (NM_201379.3); c.13795C>T, p.Arg4599Trp (NM_201380.4); c.13288C>T, p.Arg4430Trp (NM_201381.3); c.13384C>T, p.Arg4462Trp (NM_201382.4); and 1 more; short protein forms R4430W, R4462W, R3362W, R4448W, R4489W, R4599W, R4440W, R4466W.
Identifiers: ClinVar variation 2150930 (VCV002150930.6), dbSNP rs781845444, ClinGen allele CA4923822.
Genomic context (GRCh38, chr8:143,916,437, plus strand): 5'-CGCTGACGCTGTAGGGGCTGTAGTAGCCCTTGGTGGACTGCGCGGCAGCCTCCAGCAGCC[G>A]CAGCCCCGTGCCCTCCTCCACCATGCTGCGGTCCAGCGCGTCCTTATAGGAGATCTTGAG-3'
Protein context (NP_958786.1, residues 4452-4472): RSMVEEGTGL[Arg4462Trp]LLEAAAQSTK